The following is an entry in ClinVar:

ClinVar aggregate classification (germline): Uncertain significance (1 of 4 stars; one submission).

Allele frequency attached by ClinVar (database versions not stated): gnomAD 0.00002; gnomAD exomes 0.00002; TOPMed 0.00002.
gnomAD v4.1: 26 of 1,551,486 alleles (0.0017%); highest among the groups gnomAD compares: East Asian, 0.039%; no homozygotes.

Submission:

Labcorp Genetics (formerly Invitae), Labcorp
Classification: Uncertain significance. Last evaluated: 2025-06-01. Review status: criteria provided, single submitter. Criteria: Invitae Variant Classification Sherloc (09022015). Collection method: clinical testing. Allele origin: germline.
Comment: This sequence change replaces tryptophan, which is neutral and slightly polar, with cysteine, which is neutral and slightly polar, at codon 1411 of the NIN protein (p.Trp1411Cys). This variant is present in population databases (rs372019152, gnomAD 0.1%), and has an allele count higher than expected for a pathogenic variant. This variant has not been reported in the literature in individuals affected with NIN-related conditions. ClinVar contains an entry for this variant (Variation ID: 1919732). An algorithm developed to predict the effect of missense changes on protein structure and function (PolyPhen-2) suggests that this variant is likely to be tolerated. In summary, the available evidence is currently insufficient to determine the role of this variant in disease. Therefore, it has been classified as a Variant of Uncertain Significance.

NM_020921.4(NIN):c.4233G>C (p.Trp1411Cys)

Gene: NIN (ninein; minus strand). Cytogenetic location: 14q22.1.
Variant type: single nucleotide variant.
Coding change: c.4233G>C on transcript NM_020921.4 (MANE Select); coding-DNA position 4233, G replaced by C.
Protein change: p.Trp1411Cys; replaces tryptophan 1411 with cysteine.
Molecular consequence: missense variant. On other transcripts: intron variant (1).
Genome position (GRCh38, 1-based): chr14:50,756,797, C>G on the plus strand (G>C on the coding strand, the complement: NIN is on the minus strand). VCF-style: chr14-50756797-C-G. GRCh37 (hg19) VCF-style: chr14-51223515-C-G.
Other names: c.4233G>C, p.Trp1411Cys (NM_182944.3, NM_182946.2); c.2400-1930G>C (NM_016350.5); short protein forms W1411C.
Identifiers: ClinVar variation 1919732 (VCV001919732.5), dbSNP rs372019152, ClinGen allele CA260827935.
Genomic context (GRCh38, chr14:50,756,797, plus strand): 5'-CAGTATAACTTGATTCTGTACTCTTGGCCTTTCTTGATGTGTCTGAATTGTTCCATGTAA[C>G]CAGGCAATTTCATGTGCTTTTACTTTTTCCAAGAGCTGTGTGTTCCCCTCAAGGTACTGG-3'
Protein context (NP_065972.4, residues 1401-1421): LEKVKAHEIA[Trp1411Cys]LHGTIQTHQE